The following is an entry in ClinVar:

NM_000350.3(ABCA4):c.6316C>G (p.Arg2106Gly)

Gene: ABCA4 (ATP binding cassette subfamily A member 4; minus strand). Cytogenetic location: 1p22.1.
Variant type: single nucleotide variant.
Coding change: c.6316C>G on transcript NM_000350.3 (MANE Select); coding-DNA position 6316, C replaced by G.
Protein change: p.Arg2106Gly; replaces arginine 2106 with glycine.
Molecular consequence: missense variant.
Genome position (GRCh38, 1-based): chr1:94,001,072, G>C on the plus strand (C>G on the coding strand, the complement: ABCA4 is on the minus strand). VCF-style: chr1-94001072-G-C. GRCh37 (hg19) VCF-style: chr1-94466628-G-C.
Other names: c.6094C>G, p.Arg2032Gly (NM_001425324.1); short protein forms R2032G, R2106G.
Identifiers: ClinVar variation 5020682 (VCV005020682.1).
Genomic context (GRCh38, chr1:94,001,072, plus strand): 5'-TGAGGACCACAGCCCTCCCTTCTCTGATGATGCTCACGATGACGTTCCACAGCATGCGGC[G>C]TGCCTGGGGGTCCATCCCTGTGGTGGGCTCATCCTGGGGGGTGGAGAGAAGGTTGGGGGC-3'
Protein context (NP_000341.2, residues 2096-2116): EPTTGMDPQA[Arg2106Gly]RMLWNVIVSI

ClinVar aggregate classification (germline): Uncertain significance (1 of 4 stars; one submission).

Submission:

Dasa
Classification: Uncertain significance. Last evaluated: 2026-03-26. Review status: criteria provided, single submitter. Criteria: DASA Assertion Criteria. Collection method: clinical testing. Allele origin: germline.
Comment: NM_000350.3(ABCA4):c.6316C>G (p.Arg2106Gly) is a missense variant that results in the substitution of arginine with glycine. The affected residue or protein region has prior evidence supporting clinical relevance. This variant is absent from population databases. Computational prediction algorithms are consistent with a deleterious effect. The currently available literature and clinical evidence are not sufficient to establish a definitive association between this variant and the reported condition. Therefore, this variant is classified as a variant of uncertain significance.